The following is an entry in ClinVar:

NM_002432.3(MNDA):c.872A>G (p.Gln291Arg)

Gene: MNDA (myeloid cell nuclear differentiation antigen; plus strand). Cytogenetic location: 1q23.1.
Variant type: single nucleotide variant.
Coding change: c.872A>G on transcript NM_002432.3 (MANE Select); coding-DNA position 872, A replaced by G.
Protein change: p.Gln291Arg; replaces glutamine 291 with arginine.
Molecular consequence: missense variant.
Genome position (GRCh38, 1-based): chr1:158,845,888, A>G. VCF-style: chr1-158845888-A-G. GRCh37 (hg19) VCF-style: chr1-158815678-A-G.
Other names: short protein forms Q291R.
Identifiers: ClinVar variation 2563151 (VCV002563151.2), dbSNP rs2526088125, ClinGen allele CA343042080.
Genomic context (GRCh38, chr1:158,845,888, plus strand): 5'-ACTCTGAATGTAAAGGAGTAATGGAAATAAAGGAAGCATCATCTGTGTCTGACTTTAATC[A>G]AAATTTTGAGGTCCCAAACAGAATTATCGAAATAGCAAATAAAACTCCCAAGATCAGTCA-3'
Protein context (NP_002423.1, residues 281-301): KEASSVSDFN[Gln291Arg]NFEVPNRIIE

ClinVar aggregate classification (germline): Uncertain significance (1 of 4 stars; one submission).

Submission:

Ambry Genetics
Classification: Uncertain significance. Last evaluated: 2023-05-21. Review status: criteria provided, single submitter. Criteria: Ambry Variant Classification Scheme 2023. Collection method: clinical testing. Allele origin: germline.
Comment: The p.Q291R variant (also known as c.872A>G), located in coding exon 4 of the MNDA gene, results from an A to G substitution at nucleotide position 872. The glutamine at codon 291 is replaced by arginine, an amino acid with highly similar properties. This amino acid position is conserved. In addition, this alteration is predicted to be tolerated by in silico analysis. Since supporting evidence is limited at this time, the clinical significance of this alteration remains unclear.